The following is an entry in ClinVar:

ClinVar aggregate classification (germline): Uncertain significance (1 of 4 stars; one submission).

Conditions:
Cardiovascular phenotype. Identifiers: MedGen CN230736.

Submission:

Ambry Genetics
Classification: Uncertain significance for Cardiovascular phenotype. Last evaluated: 2019-01-16. Review status: criteria provided, single submitter. Criteria: Ambry Variant Classification Scheme 2023. Collection method: clinical testing. Allele origin: germline.
Comment: The p.T60I variant (also known as c.179C>T and T40I), located in coding exon 2 of the TTR gene, results from a C to T substitution at nucleotide position 179. The threonine at codon 60 is replaced by isoleucine, an amino acid with similar properties. This amino acid position is not well conserved in available vertebrate species. In addition, the in silico prediction for this alteration is inconclusive. Since supporting evidence is limited at this time, the clinical significance of this alteration remains unclear.

NM_000371.4(TTR):c.179C>T (p.Thr60Ile)

Gene: TTR (transthyretin; plus strand). Cytogenetic location: 18q12.1.
Variant type: single nucleotide variant.
Coding change: c.179C>T on transcript NM_000371.4 (MANE Select); coding-DNA position 179, C replaced by T.
Protein change: p.Thr60Ile; replaces threonine 60 with isoleucine.
Molecular consequence: missense variant.
Genome position (GRCh38, 1-based): chr18:31,593,005, C>T. VCF-style: chr18-31593005-C-T. GRCh37 (hg19) VCF-style: chr18-29172968-C-T.
Other names: short protein forms T60I.
Identifiers: ClinVar variation 1780335 (VCV001780335.2), dbSNP rs113625622, ClinGen allele CA297736966.